The following is an entry in ClinVar:

NM_031307.4(PUS3):c.55C>T (p.Arg19Ter)

Genes: PUS3 (pseudouridine synthase 3; minus strand), HYLS1 (HYLS1 centriolar and ciliogenesis associated; plus strand). Cytogenetic location: 11q24.2.
Variant type: single nucleotide variant.
Coding change: c.55C>T on transcript NM_031307.4 (MANE Select); coding-DNA position 55, C replaced by T.
Protein change: p.Arg19Ter; replaces arginine 19 with a stop codon.
Molecular consequence: nonsense. On other transcripts: intron variant (6).
Genome position (GRCh38, 1-based): chr11:125,896,230, G>A on the plus strand (C>T on the coding strand, the complement: PUS3 is on the minus strand). VCF-style: chr11-125896230-G-A. GRCh37 (hg19) VCF-style: chr11-125766125-G-A.
Other names: c.-80-2874G>A (NM_145014.3); c.-25-3114G>A (NM_001134793.2, NM_001377269.1); c.-22-3117G>A (NM_001424364.1, NM_001377270.1); c.-246-441C>T (NM_001271985.2); c.55C>T (NM_031307.3); short protein forms R19*.
Identifiers: ClinVar variation 2907421 (VCV002907421.7), dbSNP rs747920338, ClinGen allele CA6350608.

ClinVar aggregate classification (germline): Pathogenic/Likely pathogenic. Review status: criteria provided, multiple submitters, no conflicts (2 of 4 stars). 4 submissions from 4 submitters: Pathogenic (3); Likely pathogenic (1). Last evaluated 2025-12-17.

Conditions:
Severe growth deficiency-strabismus-extensive dermal melanocytosis-intellectual disability syndrome (NEDMIGS). Also called: NEURODEVELOPMENTAL DISORDER WITH MICROCEPHALY AND GRAY SCLERAE. Identifiers: Orphanet 488627, MedGen C4310745, MONDO:0014886, OMIM 617051.
PUS3-related disorder. Also called: PUS3-related condition.

gnomAD v4.1: 17 of 1,613,676 alleles (0.0011%); highest among the groups gnomAD compares: East Asian, 0.0067%; no homozygotes.

Submissions (4):

GeneDx
Classification: Pathogenic. Last evaluated: 2025-12-17. Review status: criteria provided, single submitter. Criteria: GeneDx Variant Classification Process June 2021. Collection method: clinical testing. Allele origin: germline.
Comment: Nonsense variant predicted to result in protein truncation or nonsense mediated decay in a gene for which loss of function is a known mechanism of disease; This variant is associated with the following publications: (PMID: 31444731)

PreventionGenetics, part of Exact Sciences
Classification: Pathogenic for PUS3-related condition. Last evaluated: 2024-12-16. Review status: criteria provided, single submitter. Criteria: ACMG Guidelines, 2015. Collection method: clinical testing. Allele origin: germline.
Comment: The PUS3 c.55C>T variant is predicted to result in premature protein termination (p.Arg19*). This variant has been reported in a compound heterozygous state in an individual with epileptic encephalopathy and multiple malformations (Fang et al. 2019. PubMed ID: 31444731). This variant is reported in 0.0065% of alleles in individuals of South Asian descent in gnomAD. Nonsense variants in PUS3 are expected to be pathogenic. This variant is interpreted as pathogenic.

Labcorp Genetics (formerly Invitae), Labcorp
Classification: Pathogenic. Last evaluated: 2023-01-12. Review status: criteria provided, single submitter. Criteria: Invitae Variant Classification Sherloc (09022015). Collection method: clinical testing. Allele origin: germline.
Comment: This sequence change creates a premature translational stop signal (p.Arg19*) in the PUS3 gene. It is expected to result in an absent or disrupted protein product. Loss-of-function variants in PUS3 are known to be pathogenic (PMID: 27055666, 31444731, 34415064). This variant is present in population databases (rs747920338, gnomAD 0.006%). This premature translational stop signal has been observed in individual(s) with clinical features of PUS3-related conditions (PMID: 31444731). For these reasons, this variant has been classified as Pathogenic.

Juno Genomics, Hangzhou Juno Genomics, Inc
Classification: Likely pathogenic for Severe growth deficiency-strabismus-extensive dermal melanocytosis-intellectual disability syndrome. Review status: criteria provided, single submitter. Criteria: ACMG Guidelines, 2015. Collection method: clinical testing. Allele origin: germline.
Comment: Null variant in a gene where loss of function (LOF) is a known mechanism of disease.;Absent from controls (or at extremely low frequency if recessive) in Genome Aggregation Database.;For recessive disorders, detected in trans with a pathogenic variant.

Literature cited by the submitters: PubMed 27055666 (cited by Labcorp Genetics (formerly Invitae), Labcorp); PubMed 31444731 (cited by Labcorp Genetics (formerly Invitae), Labcorp); PubMed 34415064 (cited by Labcorp Genetics (formerly Invitae), Labcorp).